The following is an entry in ClinVar:

NM_020631.6(PLEKHG5):c.2166_2167insCAGGAGGAGGAAGAGGAGGAGGAGGAGGAGGAAGAG (p.Glu722_Glu723insGlnGluGluGluGluGluGluGluGluGluGluGlu)

Gene: PLEKHG5 (pleckstrin homology and RhoGEF domain containing G5; minus strand). Cytogenetic location: 1p36.31.
Variant type: Microsatellite.
Coding change: c.2166_2167insCAGGAGGAGGAAGAGGAGGAGGAGGAGGAGGAAGAG on transcript NM_020631.6 (MANE Select); coding-DNA positions 2166 to 2167, CAGGAGGAGGAAGAGGAGGAGGAGGAGGAGGAAGAG inserted.
Protein change: p.Glu722_Glu723insGlnGluGluGluGluGluGluGluGluGluGluGlu.
Molecular consequence: inframe insertion. On other transcripts: frameshift variant (4).
Genome position: GRCh38: chr1:6,469,125-6,469,127. GRCh37 (hg19): chr1:6,529,185-6,529,187.
Other names: c.2277_2278insCAGGAGGAGGAAGAGGAGGAGGAGGAGGAGGAAGAG, p.Glu759_Glu760insGlnGluGluGluGluGluGluGluGluGluGluGlu (NM_001042663.3, NM_001265592.2); c.2164_2165AG[2], p.Glu722Argfs (NM_001042664.2, NM_001042665.2, NM_001265594.3); c.2371_2372AG[2], p.Glu791Argfs (NM_001265593.2); c.2166_2167insCAGGAGGAGGAAGAGGAGGAGGAGGAGGAGGAAGAG, p.Glu722_Glu723insGlnGluGluGluGluGluGluGluGluGluGluGlu (NM_198681.4).
Identifiers: ClinVar variation 2421405 (VCV002421405.9), dbSNP rs2523129553.

ClinVar aggregate classification (germline): Uncertain significance (1 of 4 stars; one submission).

Conditions:
Neuronopathy, distal hereditary motor, autosomal recessive 4. Also called: NEUROPATHY, DISTAL HEREDITARY MOTOR, AUTOSOMAL RECESSIVE 4; Autosomal recessive lower motor neuron disease with childhood onset. Identifiers: Orphanet 206580, MedGen C1970211, MONDO:0012608, OMIM 611067.
Charcot-Marie-Tooth disease recessive intermediate C. Also called: CHARCOT-MARIE-TOOTH NEUROPATHY, RECESSIVE INTERMEDIATE C. Identifiers: Orphanet 369867, MedGen C3809309, MONDO:0014154, OMIM 615376.

Submission:

Labcorp Genetics (formerly Invitae), Labcorp
Classification: Uncertain significance for Neuronopathy, distal hereditary motor, autosomal recessive 4; Charcot-Marie-Tooth disease recessive intermediate C. Last evaluated: 2017-06-27. Review status: criteria provided, single submitter. Criteria: Invitae Variant Classification Sherloc (09022015). Collection method: clinical testing. Allele origin: germline.
Comment: In summary, the available evidence is currently insufficient to determine the role of this variant in disease. Therefore, it has been classified as a Variant of Uncertain Significance. Experimental studies and prediction algorithms are not available for this variant, and the functional significance of the inserted amino acids is currently unknown. This variant has not been reported in the literature in individuals with PLEKHG5-related disease. This variant is not present in population databases (ExAC no frequency). This variant, c.2166_2167ins36, results in the insertion of 12 amino acids to the PLEKHG5 protein (p.Gln711_Glu722dup), but otherwise preserves the integrity of the reading frame.